The following is an entry in ClinVar:

NM_206933.4(USH2A):c.9761A>C (p.Glu3254Ala)

Gene: USH2A (usherin; minus strand). Cytogenetic location: 1q41.
Variant type: single nucleotide variant.
Coding change: c.9761A>C on transcript NM_206933.4 (MANE Select); coding-DNA position 9761, A replaced by C.
Protein change: p.Glu3254Ala; replaces glutamic acid 3254 with alanine.
Molecular consequence: missense variant.
Genome position (GRCh38, 1-based): chr1:215,799,104, T>G on the plus strand (A>C on the coding strand, the complement: USH2A is on the minus strand). VCF-style: chr1-215799104-T-G. GRCh37 (hg19) VCF-style: chr1-215972446-T-G.
Other names: short protein forms E3254A.
Identifiers: ClinVar variation 1943915 (VCV001943915.2), dbSNP rs1318080858, ClinGen allele CA344850087.
Genomic context (GRCh38, chr1:215,799,104, plus strand): 5'-GAGTACGGCATTCTGCCACAGCAGGAATCACCAATGCCAACAGAAACCCGATTGTGCTGT[T>G]CATCTGGACAGCATACTTCACCTGTCAATTTAGGACAATAATAATCATTACATCAGTTAA-3'
Protein context (NP_996816.3, residues 3244-3264): ILPGEVCCPD[Glu3254Ala]QHNRVSVGIG

ClinVar aggregate classification (germline): Uncertain significance (1 of 4 stars; one submission).

Allele frequency attached by ClinVar (database versions not stated): gnomAD exomes below 0.00001; TOPMed below 0.00001.
gnomAD v4.1: 3 of 1,613,894 alleles (0.00019%); highest among the groups gnomAD compares: Non-Finnish European, 0.00025%; no homozygotes.

Submission:

Labcorp Genetics (formerly Invitae), Labcorp
Classification: Uncertain significance. Last evaluated: 2022-06-26. Review status: criteria provided, single submitter. Criteria: Invitae Variant Classification Sherloc (09022015). Collection method: clinical testing. Allele origin: germline.
Comment: This sequence change replaces glutamic acid, which is acidic and polar, with alanine, which is neutral and non-polar, at codon 3254 of the USH2A protein (p.Glu3254Ala). This variant is present in population databases (no rsID available, gnomAD 0.0009%). This variant has not been reported in the literature in individuals affected with USH2A-related conditions. Algorithms developed to predict the effect of missense changes on protein structure and function output the following: SIFT: "Deleterious"; PolyPhen-2: "Benign"; Align-GVGD: "Class C0". The alanine amino acid residue is found in multiple mammalian species, which suggests that this missense change does not adversely affect protein function. In summary, the available evidence is currently insufficient to determine the role of this variant in disease. Therefore, it has been classified as a Variant of Uncertain Significance.